The following is an entry in ClinVar:

ClinVar aggregate classification (germline): Uncertain significance (1 of 4 stars; one submission).

Submission:

Women's Health and Genetics/Laboratory Corporation of America, LabCorp
Classification: Uncertain significance. Last evaluated: 2024-11-13. Review status: criteria provided, single submitter. Criteria: LabCorp Variant Classification Summary - May 2015. Collection method: clinical testing. Allele origin: germline.
Comment: Variant summary: PRSS1 c.568G>A (p.Glu190Lys) results in a conservative amino acid change located in the Serine proteases, trypsin domain profile of the encoded protein sequence. Three of five in-silico tools predict a benign effect of the variant on protein function. The frequency data for this variant in gnomAD is considered unreliable, as metrics indicate poor data quality at this position. These data do not allow any conclusion about variant significance. Functional studies have shown the variant to result in 2.5-fold increased autoactivation of the mutant trypsinogen relative to wild type (Jancso_2019). The following publication(s) have been ascertained in the context of this evaluation (PMID: 30792736). No submitters have cited clinical-significance assessments for this variant to ClinVar. Based on the evidence outlined above, the variant was classified as VUS-possibly pathogenic.

Literature cited by the submitters: PubMed 30792736.

NM_002769.5(PRSS1):c.568G>A (p.Glu190Lys)

Genes: PRSS1 (serine protease 1; plus strand), TRB (T cell receptor beta locus; plus strand). Cytogenetic location: 7q34.
Variant type: single nucleotide variant.
Coding change: c.568G>A on transcript NM_002769.5 (MANE Select); coding-DNA position 568, G replaced by A.
Protein change: p.Glu190Lys; replaces glutamic acid 190 with lysine.
Molecular consequence: missense variant. On other transcripts: non-coding transcript variant (5).
Genome position (GRCh38, 1-based): chr7:142,752,544, G>A. VCF-style: chr7-142752544-G-A. GRCh37 (hg19) VCF-style: chr7-142460395-G-A.
Other names: short protein forms E190K.
Identifiers: ClinVar variation 3629644 (VCV003629644.1).
Genomic context (GRCh38, chr7:142,752,544, plus strand): 5'-AAGTGTGAAGCCTCCTACCCTGGAAAGATTACCAGCAACATGTTCTGTGTGGGCTTCCTT[G>A]AGGGAGGCAAGGATTCATGTCAGGTGATTTGACCAACCCTTCCCATGCTGAGGCTCCCAC-3'
Protein context (NP_002760.1, residues 180-200): TSNMFCVGFL[Glu190Lys]GGKDSCQGDS